The following is an entry in ClinVar:

NM_152703.5(SAMD9L):c.2018A>T (p.Lys673Ile)

Gene: SAMD9L (sterile alpha motif domain containing 9 like; minus strand). Cytogenetic location: 7q21.2.
Variant type: single nucleotide variant.
Coding change: c.2018A>T on transcript NM_152703.5 (MANE Select); coding-DNA position 2018, A replaced by T.
Protein change: p.Lys673Ile; replaces lysine 673 with isoleucine.
Molecular consequence: missense variant.
Genome position (GRCh38, 1-based): chr7:93,133,954, T>A on the plus strand (A>T on the coding strand, the complement: SAMD9L is on the minus strand). VCF-style: chr7-93133954-T-A. GRCh37 (hg19) VCF-style: chr7-92763267-T-A.
Other names: c.2018A>T, p.Lys673Ile (NM_001303496.3, NM_001303497.3, NM_001303498.3 and 5 more transcripts); short protein forms K673I.
Identifiers: ClinVar variation 4826183 (VCV004826183.1).

ClinVar aggregate classification (germline): Uncertain significance (1 of 4 stars; one submission).

Conditions:
Inborn genetic diseases. Identifiers: MedGen C0950123, MeSH D030342.

Submission:

Ambry Genetics
Classification: Uncertain significance for Inborn genetic diseases. Last evaluated: 2026-03-06. Review status: criteria provided, single submitter. Criteria: Ambry Variant Classification Scheme 2023. Collection method: clinical testing. Allele origin: germline.
Comment: The p.K673I variant (also known as c.2018A>T), located in coding exon 1 of the SAMD9L gene, results from an A to T substitution at nucleotide position 2018. The lysine at codon 673 is replaced by isoleucine, an amino acid with dissimilar properties. This amino acid position is conserved. In addition, this alteration is predicted to be tolerated by in silico analysis. Based on the available evidence, the clinical significance of this variant remains unclear.